The following is an entry in ClinVar:

NM_001127222.2(CACNA1A):c.978+9T>C

Gene: CACNA1A (calcium voltage-gated channel subunit alpha1 A; minus strand). Cytogenetic location: 19p13.13.
Variant type: single nucleotide variant.
Coding change: c.978+9T>C on transcript NM_001127222.2 (MANE Select); 9 bases into the intron after coding-DNA position 978, T replaced by C.
Molecular consequence: intron variant.
Genome position (GRCh38, 1-based): chr19:13,359,597, A>G on the plus strand (T>C on the coding strand, the complement: CACNA1A is on the minus strand). VCF-style: chr19-13359597-A-G. GRCh37 (hg19) VCF-style: chr19-13470411-A-G.
Other names: c.978+9T>C (NM_001127222.1, NM_001127221.2, NM_001174080.2 and 2 more transcripts).
Identifiers: ClinVar variation 288880 (VCV000288880.17), dbSNP rs111366222, ClinGen allele CA9240940.

ClinVar aggregate classification (germline): Conflicting classifications of pathogenicity. Review status: criteria provided, conflicting classifications (1 of 4 stars). 4 submissions from 4 submitters: Uncertain significance (1); Likely benign (2). 1 of the submissions does not count toward it. Last evaluated 2025-06-18.

Conditions:
Developmental and epileptic encephalopathy, 42 (DEE42A). Also called: Epileptic encephalopathy, early infantile, 42; DEVELOPMENTAL AND EPILEPTIC ENCEPHALOPATHY 42A; EPILEPTIC ENCEPHALOPATHY, EARLY INFANTILE, 42A. Identifiers: MedGen C4310716, MONDO:0014917, OMIM 617106.
Episodic ataxia type 2 (EA2). Also called: ATAXIA, EPISODIC, WITH NYSTAGMUS; ATAXIA, FAMILIAL PAROXYSMAL; CEREBELLAR ATAXIA, PAROXYSMAL, ACETAZOLAMIDE-RESPONSIVE; CEREBELLOPATHY, HEREDITARY PAROXYSMAL; ACETAZOLAMIDE-RESPONSIVE HEREDITARY PAROXYSMAL CEREBELLAR ATAXIA; EPISODIC ATAXIA, NYSTAGMUS-ASSOCIATED. Identifiers: Orphanet 97, MedGen C1720416, MONDO:0007163, OMIM 108500.
CACNA1A-related disorder. Also called: CACNA1A-related condition.

Allele frequency attached by ClinVar (database versions not stated): gnomAD exomes 0.00002 and 0.00007; ESP Exome Variant Server 0.00008; ExAC 0.00012; TOPMed 0.00027; 1000 Genomes Project 30x 0.00031; gnomAD 0.00039 and 0.00041; 1000 Genomes Project 0.00040.
gnomAD v4.1: 89 of 1,602,842 alleles (0.0056%); highest among the groups gnomAD compares: African/African-American, 0.12%; no homozygotes.

Submissions (4):

Labcorp Genetics (formerly Invitae), Labcorp
Classification: Likely benign for Developmental and epileptic encephalopathy, 42; Episodic ataxia type 2. Last evaluated: 2025-06-18. Review status: criteria provided, single submitter. Criteria: Invitae Variant Classification Sherloc (09022015). Collection method: clinical testing. Allele origin: germline.

GeneDx
Classification: Likely benign. Last evaluated: 2017-10-12. Review status: criteria provided, single submitter. Criteria: GeneDx Variant Classification (06012015). Collection method: clinical testing. Allele origin: germline. Affected: yes.
Comment: This variant is considered likely benign or benign based on one or more of the following criteria: it is a conservative change, it occurs at a poorly conserved position in the protein, it is predicted to be benign by multiple in silico algorithms, and/or has population frequency not consistent with disease.

Eurofins Ntd Llc (ga)
Classification: Uncertain significance. Last evaluated: 2016-07-19. Review status: criteria provided, single submitter. Criteria: EGL Classification Definitions 2015. Collection method: clinical testing. Allele origin: germline. Observed: 1 variant allele, 1 heterozygote.

PreventionGenetics, part of Exact Sciences
Classification: Likely benign for CACNA1A-related condition. Last evaluated: 2020-04-29. Review status: no assertion criteria provided. Collection method: clinical testing. Allele origin: germline. Not counted in ClinVar's aggregate classification.
Comment: This variant is classified as likely benign based on ACMG/AMP sequence variant interpretation guidelines (Richards et al. 2015 PMID: 25741868, with internal and published modifications).